The following is an entry in ClinVar:

NM_001364171.2(ODAD1):c.912C>T (p.Tyr304=)

Gene: ODAD1 (outer dynein arm docking complex subunit 1; minus strand). Cytogenetic location: 19q13.33.
Variant type: single nucleotide variant.
Coding change: c.912C>T on transcript NM_001364171.2 (MANE Select); coding-DNA position 912, C replaced by T.
Protein change: p.Tyr304=; no amino-acid change (tyrosine 304 retained).
Molecular consequence: synonymous variant.
Genome position (GRCh38, 1-based): chr19:48,303,726, G>A on the plus strand (C>T on the coding strand, the complement: ODAD1 is on the minus strand). VCF-style: chr19-48303726-G-A. GRCh37 (hg19) VCF-style: chr19-48806983-G-A.
Other names: c.801C>T, p.Tyr267= (NM_144577.4); c.801C>T (NM_144577.3).
Identifiers: ClinVar variation 2062729 (VCV002062729.6), dbSNP rs376419237, ClinGen allele CA9548908.
Genomic context (GRCh38, chr19:48,303,726, plus strand): 5'-CACCAACAGGTCAGGGTCACTCTCCCCCATCAGCTGGGACAGTTTATTCAGGGCGTCCTC[G>A]TAGCAAAGCACCAGCCTCTCCTGGGAGGTCTTCCAGACGCCCTCGGCCACCTCCCCGGCT-3'
Protein context (NP_001351100.1, residues 294-314): KTSQERLVLC[Tyr304=]EDALNKLSQL

ClinVar aggregate classification (germline): Likely benign. Review status: criteria provided, single submitter (1 of 4 stars). 2 submissions from 2 submitters: Likely benign (1). 1 of the submissions does not count toward it. Last evaluated 2025-03-07.

Conditions:
ODAD1-related disorder. Also called: ODAD1-related condition.
Primary ciliary dyskinesia. Also called: Ciliary dyskinesia. Identifiers: Orphanet 244, MedGen C0008780, MONDO:0016575, HP:0012265.

Allele frequency attached by ClinVar (database versions not stated): gnomAD 0.00003; gnomAD exomes 0.00005; TOPMed 0.00006; ExAC 0.00010; ESP Exome Variant Server 0.00023.
gnomAD v4.1: 77 of 1,613,884 alleles (0.0048%); highest among the groups gnomAD compares: East Asian, 0.036%; no homozygotes.

Submissions (2):

Labcorp Genetics (formerly Invitae), Labcorp
Classification: Likely benign for Primary ciliary dyskinesia. Last evaluated: 2025-03-07. Review status: criteria provided, single submitter. Criteria: Invitae Variant Classification Sherloc (09022015). Collection method: clinical testing. Allele origin: germline.

PreventionGenetics, part of Exact Sciences
Classification: Likely benign for ODAD1-related condition. Last evaluated: 2019-09-12. Review status: no assertion criteria provided. Collection method: clinical testing. Allele origin: germline. Not counted in ClinVar's aggregate classification.
Comment: This variant is classified as likely benign based on ACMG/AMP sequence variant interpretation guidelines (Richards et al. 2015 PMID: 25741868, with internal and published modifications).